The following is an entry in ClinVar:

NM_003486.7(SLC7A5):c.990C>T (p.Phe330=)

Gene: SLC7A5 (solute carrier family 7 member 5; minus strand). Cytogenetic location: 16q24.2.
Variant type: single nucleotide variant.
Coding change: c.990C>T on transcript NM_003486.7 (MANE Select); coding-DNA position 990, C replaced by T.
Protein change: p.Phe330=; no amino-acid change (phenylalanine 330 retained).
Molecular consequence: synonymous variant.
Genome position (GRCh38, 1-based): chr16:87,838,767, G>A on the plus strand (C>T on the coding strand, the complement: SLC7A5 is on the minus strand). VCF-style: chr16-87838767-G-A. GRCh37 (hg19) VCF-style: chr16-87872373-G-A.
Identifiers: ClinVar variation 3033310 (VCV003033310.2), dbSNP rs777967482, ClinGen allele CA8222822.

ClinVar aggregate classification (germline): Likely benign (0 of 4 stars; one submission).

Conditions:
SLC7A5-related disorder. Also called: SLC7A5-related condition.

Allele frequency attached by ClinVar (database versions not stated): gnomAD 0.00001; ExAC 0.00002; gnomAD exomes 0.00002.
gnomAD v4.1: 29 of 1,613,950 alleles (0.0018%); highest among the groups gnomAD compares: Middle Eastern, 0.016%; no homozygotes.

Submission:

PreventionGenetics, part of Exact Sciences
Classification: Likely benign for SLC7A5-related condition. Last evaluated: 2019-06-12. Review status: no assertion criteria provided. Collection method: clinical testing. Allele origin: germline.
Comment: This variant is classified as likely benign based on ACMG/AMP sequence variant interpretation guidelines (Richards et al. 2015 PMID: 25741868, with internal and published modifications).